The following is an entry in ClinVar:

NM_001267550.2(TTN):c.72537_72544dup (p.Leu24182fs)

Genes: TTN-AS1 (TTN antisense RNA 1; plus strand), TTN (titin; minus strand). Cytogenetic location: 2q31.2.
Variant type: Duplication.
Coding change: c.72537_72544dup on transcript NM_001267550.2 (MANE Select); coding-DNA positions 72537 to 72544, 8 bases duplicated (AACAAAGC; older notation c.72537_72544dupAACAAAGC).
Protein change: p.Leu24182fs; shifts the reading frame from leucine 24182.
Molecular consequence: frameshift variant.
Genome position (GRCh38, 1-based): chr2:178,573,588-178,573,595, GCTTTGTT duplicated on the plus strand (AACAAAGC on the coding strand, the reverse complement: TTN is on the minus strand). VCF-style (leftmost placement, unchanged base first): chr2-178573587-A-AGCTTTGTT. GRCh37 (hg19) VCF-style: chr2-179438314-A-AGCTTTGTT.
Other names: c.67614_67621dup, p.Leu22541fs (NM_001256850.1); c.45342_45349dup, p.Leu15117fs (NM_003319.4); c.64833_64840dup, p.Leu21614fs (NM_133378.4); c.45717_45724dup, p.Leu15242fs (NM_133432.3); c.45918_45925dup, p.Leu15309fs (NM_133437.4); short protein forms L15309fs, L21614fs, L24182fs, L22541fs, L15117fs, L15242fs.
Identifiers: ClinVar variation 4786072 (VCV004786072.1).
Genomic context (GRCh38, chr2:178,573,587, plus strand): 5'-TTATTTACAGCCATGACACGGAATATGTATTCATTGCCTTTCAAGAGTTTAGTGACCTTT[A>AGCTTTGTT]GCTTTGTTACTTGGACTTCTGAGGCTACATTTGTCCATGCCAATCTGCTGGTTTCACGTT-3'

ClinVar aggregate classification (germline): Likely pathogenic (1 of 4 stars; one submission).

Conditions:
Autosomal recessive limb-girdle muscular dystrophy type 2J (LGMDR10). Also called: Limb-girdle muscular dystrophy, type 2J; MUSCULAR DYSTROPHY, LIMB-GIRDLE, AUTOSOMAL RECESSIVE 10. Identifiers: Orphanet 140922, MedGen C1837342, MONDO:0012127, OMIM 608807.
Dilated cardiomyopathy 1G (CMD1G). Identifiers: Orphanet 154, MedGen C1858763, MONDO:0011400, OMIM 604145.

Submission:

Labcorp Genetics (formerly Invitae), Labcorp
Classification: Likely pathogenic for Dilated cardiomyopathy 1G; Autosomal recessive limb-girdle muscular dystrophy type 2J. Last evaluated: 2025-09-07. Review status: criteria provided, single submitter. Criteria: Invitae Variant Classification Sherloc (09022015). Collection method: clinical testing. Allele origin: germline.
Comment: This sequence change creates a premature translational stop signal (p.Leu24182Glnfs*4) in the TTN gene. While this is not anticipated to result in nonsense mediated decay, it is expected to create a truncated TTN protein. This variant is not present in population databases (gnomAD no frequency). This variant has not been reported in the literature in individuals affected with TTN-related conditions. This variant is located in the A band of TTN (PMID: 25589632). Truncating variants in this region are significantly overrepresented in patients affected with dilated cardiomyopathy (PMID: 25589632). Truncating variants in this region have also been reported in individuals affected with autosomal recessive centronuclear myopathy (PMID: 23975875). In summary, the currently available evidence indicates that the variant is pathogenic, but additional data are needed to prove that conclusively. Therefore, this variant has been classified as Likely Pathogenic.

Literature cited by the submitters: PubMed 25589632; PubMed 23975875.